The following is an entry in ClinVar:

ClinVar aggregate classification (germline): Uncertain significance. Review status: criteria provided, multiple submitters, no conflicts (2 of 4 stars). 2 submissions from 2 submitters: Uncertain significance (2). Last evaluated 2025-01-11.

Conditions:
Adams-Oliver syndrome 5 (AOS5). Identifiers: Orphanet 974, MedGen C4014970, MONDO:0014459, OMIM 616028.

Allele frequency attached by ClinVar (database versions not stated): gnomAD 0.00001; gnomAD exomes 0.00001; TOPMed 0.00001.
gnomAD v4.1: 11 of 1,612,796 alleles (0.00068%); highest among the groups gnomAD compares: Non-Finnish European, 0.00093%; no homozygotes.

Submissions (2):

Labcorp Genetics (formerly Invitae), Labcorp
Classification: Uncertain significance for Adams-Oliver syndrome 5. Last evaluated: 2025-01-11. Review status: criteria provided, single submitter. Criteria: Invitae Variant Classification Sherloc (09022015). Collection method: clinical testing. Allele origin: germline.
Comment: This sequence change replaces serine, which is neutral and polar, with arginine, which is basic and polar, at codon 2289 of the NOTCH1 protein (p.Ser2289Arg). This variant is not present in population databases (gnomAD no frequency). This variant has not been reported in the literature in individuals affected with NOTCH1-related conditions. ClinVar contains an entry for this variant (Variation ID: 430361). Invitae Evidence Modeling of protein sequence and biophysical properties (such as structural, functional, and spatial information, amino acid conservation, physicochemical variation, residue mobility, and thermodynamic stability) indicates that this missense variant is not expected to disrupt NOTCH1 protein function with a negative predictive value of 95%. In summary, the available evidence is currently insufficient to determine the role of this variant in disease. Therefore, it has been classified as a Variant of Uncertain Significance.

GeneDx
Classification: Uncertain significance. Last evaluated: 2017-05-19. Review status: criteria provided, single submitter. Criteria: GeneDx Variant Classification (06012015). Collection method: clinical testing. Allele origin: germline. Affected: yes.
Comment: A variant of uncertain significance has been identified in the NOTCH1 gene. The S2289R variant has not been published as pathogenic or been reported as benign to our knowledge. This variant is not observed in large population cohorts (Lek et al., 2016; 1000 Genomes Consortium et al., 2015; Exome Variant Server). The S2289R variant is a semi-conservative amino acid substitution, which may impact secondary protein structure as these residues differ in some properties. However, this substitution occurs at a position that is not conserved across species and in silico analysis predicts this variant likely does not alter the protein structure/function.

NM_017617.5(NOTCH1):c.6867C>A (p.Ser2289Arg)

Gene: NOTCH1 (notch receptor 1; minus strand). Cytogenetic location: 9q34.3.
Variant type: single nucleotide variant.
Coding change: c.6867C>A on transcript NM_017617.5 (MANE Select); coding-DNA position 6867, C replaced by A.
Protein change: p.Ser2289Arg; replaces serine 2289 with arginine.
Molecular consequence: missense variant.
Genome position (GRCh38, 1-based): chr9:136,496,872, G>T on the plus strand (C>A on the coding strand, the complement: NOTCH1 is on the minus strand). VCF-style: chr9-136496872-G-T. GRCh37 (hg19) VCF-style: chr9-139391324-G-T.
Other names: c.6867C>A, p.Ser2289Arg (LRG_1122t1); short protein forms S2289R.
Identifiers: ClinVar variation 430361 (VCV000430361.4), dbSNP rs1131691923, ClinGen allele CA375630029.